The following is an entry in ClinVar:

NM_000059.4(BRCA2):c.7625C>A (p.Thr2542Lys)

Gene: BRCA2 (BRCA2 DNA repair associated; plus strand). Cytogenetic location: 13q13.1.
Variant type: single nucleotide variant.
Coding change: c.7625C>A on transcript NM_000059.4 (MANE Select); coding-DNA position 7625, C replaced by A.
Protein change: p.Thr2542Lys; replaces threonine 2542 with lysine.
Molecular consequence: missense variant.
Genome position (GRCh38, 1-based): chr13:32,357,749, C>A. VCF-style: chr13-32357749-C-A. GRCh37 (hg19) VCF-style: chr13-32931886-C-A.
Other names: short protein forms T2542K.
Identifiers: ClinVar variation 236906 (VCV000236906.8), dbSNP rs80358989, ClinGen allele CA6941124.

ClinVar aggregate classification (germline): Uncertain significance. Review status: criteria provided, multiple submitters, no conflicts (2 of 4 stars). 3 submissions from 3 submitters: Uncertain significance (3). Last evaluated 2023-11-20.

Conditions:
Hereditary cancer-predisposing syndrome. Also called: Tumor predisposition; Hereditary Cancer Syndrome; Hereditary neoplastic syndrome; Neoplastic Syndromes, Hereditary. Identifiers: Orphanet 140162, MedGen C0027672, MeSH D009386, MONDO:0015356.
Hereditary breast ovarian cancer syndrome. Also called: Hereditary breast and ovarian cancer; Breast and ovarian cancer; BRCA1- and BRCA2-Associated Hereditary Breast and Ovarian Cancer; Hereditary breast and ovarian cancer syndrome; Hereditary breast and ovarian cancer syndrome (HBOC); Hereditary breast and/or ovarian cancer syndrome. Identifiers: Orphanet 145, MedGen C0677776, MeSH D061325, MONDO:0003582. Disease mechanism: loss of function.
Breast-ovarian cancer, familial, susceptibility to, 2 (BROVCA2). Also called: BRCA2 Hereditary Breast and Ovarian Cancer. Identifiers: Orphanet 145, MedGen C2675520, MONDO:0012933, OMIM 612555. Disease mechanism: loss of function.

Allele frequency attached by ClinVar (database versions not stated): ExAC 0.00001.
gnomAD v4.1: 6 of 1,611,290 alleles (0.00037%); highest among the groups gnomAD compares: South Asian, 0.0055%; no homozygotes.

Submissions (3):

Ambry Genetics
Classification: Uncertain significance for Hereditary cancer-predisposing syndrome. Last evaluated: 2023-11-20. Review status: criteria provided, single submitter. Criteria: Ambry Variant Classification Scheme 2023. Collection method: clinical testing. Allele origin: germline.
Comment: The p.T2542K variant (also known as c.7625C>A), located in coding exon 15 of the BRCA2 gene, results from a C to A substitution at nucleotide position 7625. The threonine at codon 2542 is replaced by lysine, an amino acid with similar properties. This amino acid position is poorly conserved in available vertebrate species. In addition, this alteration is predicted to be tolerated by in silico analysis. Since supporting evidence is limited at this time, the clinical significance of this alteration remains unclear.

All of Us Research Program, National Institutes of Health
Classification: Uncertain significance for Breast-ovarian cancer, familial, susceptibility to, 2. Last evaluated: 2023-05-04. Review status: criteria provided, single submitter. Criteria: ACMG Guidelines, 2015. Collection method: clinical testing. Allele origin: germline. Inheritance: Autosomal dominant inheritance. Observed: 1 variant allele, 1 heterozygote.
Comment: This missense variant replaces threonine with lysine at codon 2542 of the BRCA2 protein. Computational prediction suggests that this variant may not impact protein structure and function (internally defined REVEL score threshold <= 0.5, PMID: 27666373). To our knowledge, functional studies have not been reported for this variant. This variant has not been reported in individuals affected with hereditary cancer in the literature. This variant has been identified in 1/250756 chromosomes in the general population by the Genome Aggregation Database (gnomAD). The available evidence is insufficient to determine the role of this variant in disease conclusively. Therefore, this variant is classified as a Variant of Uncertain Significance.

This study involves interpretation of variants in research participants for the purpose of population health screening. Participant phenotype was not available at the time of variant classification. Additional details can be found in publication PMID: 35346344, PMCID: PMC8962531

Labcorp Genetics (formerly Invitae), Labcorp
Classification: Uncertain significance for Hereditary breast ovarian cancer syndrome. Last evaluated: 2021-08-12. Review status: criteria provided, single submitter. Criteria: Invitae Variant Classification Sherloc (09022015). Collection method: clinical testing. Allele origin: germline.
Comment: This sequence change replaces threonine with lysine at codon 2542 of the BRCA2 protein (p.Thr2542Lys). The threonine residue is weakly conserved and there is a moderate physicochemical difference between threonine and lysine. This variant is present in population databases (rs80358989, ExAC 0.006%). This variant has not been reported in the literature in individuals affected with BRCA2-related conditions. Algorithms developed to predict the effect of missense changes on protein structure and function (SIFT, PolyPhen-2, Align-GVGD) all suggest that this variant is likely to be tolerated. In summary, the available evidence is currently insufficient to determine the role of this variant in disease. Therefore, it has been classified as a Variant of Uncertain Significance.